The following is an entry in ClinVar:

NM_007259.5(VPS45):c.896del (p.Pro299fs)

Gene: VPS45 (vacuolar protein sorting 45 homolog; plus strand). Cytogenetic location: 1q21.2.
Variant type: Deletion.
Coding change: c.896del on transcript NM_007259.5 (MANE Select); coding-DNA position 896, one base deleted (C; older notation c.896delC).
Protein change: p.Pro299fs; shifts the reading frame from proline 299.
Molecular consequence: frameshift variant. On other transcripts: non-coding transcript variant (1).
Genome position (GRCh38, 1-based): chr1:150,081,957, C deleted; the last of 2 consecutive C bases (chr1:150,081,956-150,081,957); deleting either gives the same sequence. VCF-style (leftmost placement, unchanged base first): chr1-150081955-AC-A. GRCh37 (hg19) VCF-style: chr1-150054037-AC-A.
Other names: c.581del, p.Pro194fs (NM_001279353.2); c.788del, p.Pro263fs (NM_001279354.2); c.896delC (NM_007259.5); short protein forms P194fs, P263fs, P299fs.
Identifiers: ClinVar variation 4815533 (VCV004815533.1).

ClinVar aggregate classification (germline): Likely pathogenic (1 of 4 stars; one submission).

Conditions:
Congenital neutropenia-myelofibrosis-nephromegaly syndrome. Also called: Severe congenital neutropenia 5, autosomal recessive. Identifiers: Orphanet 369852, MedGen C3809031, MONDO:0014118, OMIM 615285.

Submission:

Natera, Inc.
Classification: Likely pathogenic for Autosomal recessive severe congenital neutropenia 5. Last evaluated: 2025-04-13. Review status: criteria provided, single submitter. Criteria: Natera Variant Classification Schema (03/2026). Collection method: clinical testing. Allele origin: germline.
Comment: The c.896delC variant in VPS45 is a frameshift variant predicted to shift the reading frame beginning at codon 299 and leads to a stop codon 7 codons downstream. This variant is expected to result in nonsense mediated decay, truncation, or a dysfunctional protein product. This variant is rare in the general population with a frequency below the threshold expected for the associated phenotype(s). Given the available evidence, this variant is classified as Likely Pathogenic.